The following is an entry in ClinVar:

ClinVar aggregate classification (germline): Likely pathogenic (1 of 4 stars; one submission).

Submission:

Labcorp Genetics (formerly Invitae), Labcorp
Classification: Likely pathogenic. Last evaluated: 2022-12-23. Review status: criteria provided, single submitter. Criteria: Invitae Variant Classification Sherloc (09022015). Collection method: clinical testing. Allele origin: germline.
Comment: This variant results in the deletion of part of exon 60 (c.9775_9787+8del) of the MYO15A gene. It is expected to disrupt RNA splicing. Variants that disrupt the donor or acceptor splice site typically lead to a loss of protein function (PMID: 16199547), and loss-of-function variants in MYO15A are known to be pathogenic (PMID: 17546645). This variant is not present in population databases (gnomAD no frequency). This variant has not been reported in the literature in individuals affected with MYO15A-related conditions. Algorithms developed to predict the effect of sequence changes on RNA splicing suggest that this variant may disrupt the consensus splice site. In summary, the currently available evidence indicates that the variant is pathogenic, but additional data are needed to prove that conclusively. Therefore, this variant has been classified as Likely Pathogenic.

Literature cited by the submitters: PubMed 16199547; PubMed 17546645.

NM_016239.4(MYO15A):c.9775_9787+8del

Gene: MYO15A (myosin XVA; plus strand). Cytogenetic location: 17p11.2.
Variant type: Deletion.
Coding change: c.9775_9787+8del on transcript NM_016239.4 (MANE Select); coding-DNA position 9775 through 8 bases into the intron after coding-DNA position 9787, 21 bases deleted (GTCACCAACCGTGGTGAGTGC).
Molecular consequence: splice donor variant.
Genome position (GRCh38, 1-based): chr17:18,163,826-18,163,846, GTCACCAACCGTGGTGAGTGC deleted. VCF-style (leftmost placement, unchanged base first): chr17-18163825-TGTCACCAACCGTGGTGAGTGC-T. GRCh37 (hg19) VCF-style: chr17-18067139-TGTCACCAACCGTGGTGAGTGC-T.
Identifiers: ClinVar variation 2823511 (VCV002823511.3), dbSNP rs2545320462, ClinGen allele CA2739267239.